The following is an entry in ClinVar:

NM_000256.3(MYBPC3):c.1357C>T (p.Pro453Ser)

Gene: MYBPC3 (myosin binding protein C3; minus strand). Cytogenetic location: 11p11.2.
Variant type: single nucleotide variant.
Coding change: c.1357C>T on transcript NM_000256.3 (MANE Select); coding-DNA position 1357, C replaced by T.
Protein change: p.Pro453Ser; replaces proline 453 with serine.
Molecular consequence: missense variant.
Genome position (GRCh38, 1-based): chr11:47,342,930, G>A on the plus strand (C>T on the coding strand, the complement: MYBPC3 is on the minus strand). VCF-style: chr11-47342930-G-A. GRCh37 (hg19) VCF-style: chr11-47364481-G-A.
Other names: short protein forms P453S.
Identifiers: ClinVar variation 217475 (VCV000217475.3), dbSNP rs749310275, ClinGen allele CA277675.

ClinVar aggregate classification (germline): Conflicting classifications of pathogenicity. Review status: criteria provided, conflicting classifications (1 of 4 stars). 2 submissions from 2 submitters: Likely pathogenic (1); Uncertain significance (1). Last evaluated 2016-01-06.

Conditions:
Hypertrophic cardiomyopathy 4. Also called: Familial hypertrophic cardiomyopathy 4. Identifiers: MedGen C1861862, MONDO:0007268, OMIM 115197.
Cardiovascular phenotype. Identifiers: MedGen CN230736.

Submissions (2):

Ambry Genetics
Classification: Uncertain significance for Cardiovascular phenotype. Last evaluated: 2016-01-06. Review status: criteria provided, single submitter. Criteria: Ambry Variant Classification Scheme 2023. Collection method: clinical testing. Allele origin: germline.
Comment: The p.P453S variant (also known as c.1357C>T), located in coding exon 16 of the MYBPC3 gene, results from a C to T substitution at nucleotide position 1357. The proline at codon 453 is replaced by serine, an amino acid with similar properties. This variant was not reported in population based cohorts in the following databases: Database of Single Nucleotide Polymorphisms (dbSNP), NHLBI Exome Sequencing Project (ESP), and 1000 Genomes Project. In the ESP, this variant was not observed in 6240 samples (12480 alleles) with coverage at this position. In addition, this alteration is predicted to be deleterious by in silico analysis. Since supporting evidence is limited at this time, the clinical significance of this variant remains unclear.

Laboratory of Genetics and Molecular Cardiology, University of São Paulo
Classification: Likely pathogenic for Hypertrophic cardiomyopathy 4. Review status: criteria provided, single submitter. Criteria: LGCM Criteria August 2015. Collection method: clinical testing. Allele origin: germline. Inheritance: Autosomal dominant inheritance. Affected: yes. Observed: 1 variant allele. Study: Sarcomeric Human Cardiomyopathy Registry (ShaRe).

Literature cited by the submitters: PubMed 15856146 (cited by Laboratory of Genetics and Molecular Cardiology, University of São Paulo); PubMed 8655135 (cited by Laboratory of Genetics and Molecular Cardiology, University of São Paulo); PubMed 15358028 (cited by Laboratory of Genetics and Molecular Cardiology, University of São Paulo); PubMed 12951062 (cited by Laboratory of Genetics and Molecular Cardiology, University of São Paulo); PubMed 12881443 (cited by Laboratory of Genetics and Molecular Cardiology, University of São Paulo).